The following is an entry in ClinVar:

NM_006946.4(SPTBN2):c.752C>T (p.Thr251Ile)

Gene: SPTBN2 (spectrin beta, non-erythrocytic 2; minus strand). Cytogenetic location: 11q13.2.
Variant type: single nucleotide variant.
Coding change: c.752C>T on transcript NM_006946.4 (MANE Select); coding-DNA position 752, C replaced by T.
Protein change: p.Thr251Ile; replaces threonine 251 with isoleucine.
Molecular consequence: missense variant.
Genome position (GRCh38, 1-based): chr11:66,713,651, G>A on the plus strand (C>T on the coding strand, the complement: SPTBN2 is on the minus strand). VCF-style: chr11-66713651-G-A. GRCh37 (hg19) VCF-style: chr11-66481122-G-A.
Other names: short protein forms T251I.
Identifiers: ClinVar variation 994479 (VCV000994479.31), dbSNP rs373650492, ClinGen allele CA6129586.

ClinVar aggregate classification (germline): Uncertain significance. Review status: criteria provided, multiple submitters, no conflicts (2 of 4 stars). 2 submissions from 2 submitters: Uncertain significance (2). Last evaluated 2024-06-19.

Allele frequency attached by ClinVar (database versions not stated): ESP Exome Variant Server 0.00008; gnomAD 0.00001; TOPMed 0.00002; gnomAD exomes 0.00003 and 0.00004; ExAC 0.00004.
gnomAD v4.1: 65 of 1,613,748 alleles (0.004%); highest among the groups gnomAD compares: Non-Finnish European, 0.0049%; no homozygotes.

Submissions (2):

Athena Diagnostics
Classification: Uncertain significance. Last evaluated: 2024-06-19. Review status: criteria provided, single submitter. Criteria: Athena Diagnostics Criteria. Collection method: clinical testing. Allele origin: unknown.
Comment: Available data are insufficient to determine the clinical significance of the variant at this time. The frequency of this variant in the general population is higher than would generally be expected for pathogenic variants in this gene. Polyphen and MutationTaster predict this amino acid change may be damaging to the protein.

CeGaT Center for Human Genetics Tuebingen
Classification: Uncertain significance. Last evaluated: 2022-12-01. Review status: criteria provided, single submitter. Criteria: CeGaT Center For Human Genetics Tuebingen Variant Classification Criteria Version 2. Collection method: clinical testing. Allele origin: germline. Affected: yes. Observed: 1 variant allele.
Comment: SPTBN2: PP3